The following is an entry in ClinVar:

NM_006899.5(IDH3B):c.1145C>G (p.Thr382Ser)

Gene: IDH3B (isocitrate dehydrogenase (NAD(+)) 3 non-catalytic subunit beta; minus strand). Cytogenetic location: 20p13.
Variant type: single nucleotide variant.
Coding change: c.1145C>G on transcript NM_006899.5 (MANE Select); coding-DNA position 1145, C replaced by G.
Protein change: p.Thr382Ser; replaces threonine 382 with serine.
Molecular consequence: missense variant. On other transcripts: non-coding transcript variant (1), intron variant (1).
Genome position (GRCh38, 1-based): chr20:2,658,764, G>C on the plus strand (C>G on the coding strand, the complement: IDH3B is on the minus strand). VCF-style: chr20-2658764-G-C. GRCh37 (hg19) VCF-style: chr20-2639410-G-C.
Other names: c.1145C>G, p.Thr382Ser (NM_001330763.2); c.1072-242C>G (NM_174855.4); c.1145C>G (NM_006899.2); short protein forms T382S.
Identifiers: ClinVar variation 895742 (VCV000895742.12), dbSNP rs764873315, ClinGen allele CA9735035.

ClinVar aggregate classification (germline): Uncertain significance. Review status: criteria provided, multiple submitters, no conflicts (2 of 4 stars). 3 submissions from 3 submitters: Uncertain significance (3). Last evaluated 2025-06-19.

Conditions:
Retinitis pigmentosa (RP). Identifiers: Orphanet 791, MedGen C0035334, MeSH D012174, MONDO:0019200, OMIM 268000. Inheritance: Autosomal dominant, autosomal recessive and X linked inheritance.

Allele frequency attached by ClinVar (database versions not stated): gnomAD 0.00001; TOPMed 0.00003.
gnomAD v4.1: 25 of 1,614,066 alleles (0.0015%); highest among the groups gnomAD compares: Middle Eastern, 0.049%; no homozygotes.

Submissions (3):

Ambry Genetics
Classification: Uncertain significance. Last evaluated: 2025-06-19. Review status: criteria provided, single submitter. Criteria: Ambry Variant Classification Scheme 2023. Collection method: clinical testing. Allele origin: germline.

Labcorp Genetics (formerly Invitae), Labcorp
Classification: Uncertain significance. Last evaluated: 2020-10-26. Review status: criteria provided, single submitter. Criteria: Invitae Variant Classification Sherloc (09022015). Collection method: clinical testing. Allele origin: germline.
Comment: In summary, the available evidence is currently insufficient to determine the role of this variant in disease. Therefore, it has been classified as a Variant of Uncertain Significance. Algorithms developed to predict the effect of missense changes on protein structure and function are either unavailable or do not agree on the potential impact of this missense change (SIFT: "Not Available"; PolyPhen-2: "Benign"; Align-GVGD: "Not Available"). This variant has not been reported in the literature in individuals with IDH3B-related conditions. ClinVar contains an entry for this variant (Variation ID: 895742). This variant is present in population databases (rs764873315, ExAC 0.01%). This sequence change replaces threonine with serine at codon 382 of the IDH3B protein (p.Thr382Ser). The threonine residue is weakly conserved and there is a small physicochemical difference between threonine and serine.

Illumina Laboratory Services, Illumina
Classification: Uncertain significance for Retinitis pigmentosa. Last evaluated: 2018-01-13. Review status: criteria provided, single submitter. Criteria: ICSL Variant Classification Criteria 13 December 2019. Collection method: clinical testing. Allele origin: germline.